The following is an entry in ClinVar:

NM_001370658.1(BTD):c.727G>T (p.Val243Leu)

Gene: BTD (biotinidase; plus strand). Cytogenetic location: 3p25.1.
Variant type: single nucleotide variant.
Coding change: c.727G>T on transcript NM_001370658.1 (MANE Select); coding-DNA position 727, G replaced by T.
Protein change: p.Val243Leu; replaces valine 243 with leucine.
Molecular consequence: missense variant. On other transcripts: intron variant (6).
Genome position (GRCh38, 1-based): chr3:15,644,643, G>T. VCF-style: chr3-15644643-G-T. GRCh37 (hg19) VCF-style: chr3-15686150-G-T.
Other names: c.727G>T, p.Val243Leu (NM_001281723.4, NM_001281724.3, NM_001281725.3 and 18 more transcripts); c.399+2586G>T (NM_001370753.1, NM_001407400.1, NM_001407380.1 and 3 more transcripts); c.787G>T (NM_000060.2); short protein forms V243L.
Identifiers: ClinVar variation 2197088 (VCV002197088.4), dbSNP rs769423080, ClinGen allele CA2277377.

ClinVar aggregate classification (germline): Uncertain significance. Review status: criteria provided, multiple submitters, no conflicts (2 of 4 stars). 2 submissions from 2 submitters: Uncertain significance (2). Last evaluated 2025-01-15.

Conditions:
Biotinidase deficiency. Also called: BTD deficiency; Late-onset biotin-responsive multiple carboxylase deficiency; Biotin deficiency. Identifiers: Orphanet 79241, MedGen C0220754, MONDO:0009665, OMIM 253260.
Inborn genetic diseases. Identifiers: MedGen C0950123, MeSH D030342.

Allele frequency attached by ClinVar (database versions not stated): TOPMed below 0.00001; gnomAD 0.00001; gnomAD exomes 0.00001; ExAC 0.00002.
gnomAD v4.1: 6 of 1,614,014 alleles (0.00037%); highest among the groups gnomAD compares: Admixed American, 0.01%; no homozygotes.

Submissions (2):

Labcorp Genetics (formerly Invitae), Labcorp
Classification: Uncertain significance for Biotinidase deficiency. Last evaluated: 2025-01-15. Review status: criteria provided, single submitter. Criteria: Invitae Variant Classification Sherloc (09022015). Collection method: clinical testing. Allele origin: germline.
Comment: This sequence change replaces valine, which is neutral and non-polar, with leucine, which is neutral and non-polar, at codon 263 of the BTD protein (p.Val263Leu). This variant is present in population databases (rs769423080, gnomAD 0.01%). This variant has not been reported in the literature in individuals affected with BTD-related conditions. ClinVar contains an entry for this variant (Variation ID: 2197088). Invitae Evidence Modeling of protein sequence and biophysical properties (such as structural, functional, and spatial information, amino acid conservation, physicochemical variation, residue mobility, and thermodynamic stability) indicates that this missense variant is expected to disrupt BTD protein function with a positive predictive value of 80%. In summary, the available evidence is currently insufficient to determine the role of this variant in disease. Therefore, it has been classified as a Variant of Uncertain Significance.

Ambry Genetics
Classification: Uncertain significance for Inborn genetic diseases. Last evaluated: 2022-06-03. Review status: criteria provided, single submitter. Criteria: Ambry Variant Classification Scheme 2023. Collection method: clinical testing. Allele origin: germline.